The following is an entry in ClinVar:

NM_001492.6(GDF1):c.166C>T (p.Arg56Trp)

Genes: CERS1 (ceramide synthase 1; minus strand), GDF1 (growth differentiation factor 1; minus strand). Cytogenetic location: 19p13.11.
Variant type: single nucleotide variant.
Coding change: c.166C>T on transcript NM_001492.6 (MANE Select); coding-DNA position 166, C replaced by T.
Protein change: p.Arg56Trp; replaces arginine 56 with tryptophan.
Molecular consequence: missense variant. On other transcripts: 3 prime UTR variant (2).
Genome position (GRCh38, 1-based): chr19:18,870,142, G>A on the plus strand (C>T on the coding strand, the complement: GDF1 is on the minus strand). VCF-style: chr19-18870142-G-A. GRCh37 (hg19) VCF-style: chr19-18980951-G-A.
Other names: c.*435C>T (NM_001387440.1, NM_021267.5); c.166C>T, p.Arg56Trp (NM_001387438.1); short protein forms R56W.
Identifiers: ClinVar variation 4538942 (VCV004538942.1).

ClinVar aggregate classification (germline): Uncertain significance (1 of 4 stars; one submission).

gnomAD v4.1: 2 of 1,563,336 alleles (0.00013%); highest among the groups gnomAD compares: Non-Finnish European, 0.00017%; no homozygotes.

Submission:

GeneDx
Classification: Uncertain significance. Last evaluated: 2025-06-18. Review status: criteria provided, single submitter. Criteria: GeneDx Variant Classification Process June 2021. Collection method: clinical testing. Allele origin: germline. Affected: yes.
Comment: Not observed at significant frequency in large population cohorts (gnomAD); In silico analysis supports that this missense variant has a deleterious effect on protein structure/function; Has not been previously published as pathogenic or benign to our knowledge